The following is an entry in ClinVar:

NM_130839.5(UBE3A):c.2181C>G (p.Phe727Leu)

Genes: SNHG14 (small nucleolar RNA host gene 14; plus strand), UBE3A (ubiquitin protein ligase E3A; minus strand). Cytogenetic location: 15q11.2.
Variant type: single nucleotide variant.
Coding change: c.2181C>G on transcript NM_130839.5 (MANE Select); coding-DNA position 2181, C replaced by G.
Protein change: p.Phe727Leu; replaces phenylalanine 727 with leucine.
Molecular consequence: missense variant. On other transcripts: non-coding transcript variant (1), intron variant (3).
Genome position (GRCh38, 1-based): chr15:25,354,627, G>C on the plus strand (C>G on the coding strand, the complement: UBE3A is on the minus strand). VCF-style: chr15-25354627-G-C. GRCh37 (hg19) VCF-style: chr15-25599774-G-C.
Other names: c.2190C>G, p.Phe730Leu (NM_000462.5); c.2181C>G, p.Phe727Leu (NM_001354505.1, NM_001354538.2); c.2121C>G, p.Phe707Leu (NM_001354506.2, NM_001354507.2, NM_001354508.2 and 14 more transcripts); c.2004C>G, p.Phe668Leu (NM_001354546.2); c.1956C>G, p.Phe652Leu (NM_001354549.2); c.930C>G, p.Phe310Leu (NM_001354550.2); c.870C>G, p.Phe290Leu (NM_001354551.2); c.2065-201C>G (NM_001354548.2, NM_001354547.2); and 1 more; short protein forms F668L, F290L, F727L, F652L, F707L, F310L, F730L.
Identifiers: ClinVar variation 1038124 (VCV001038124.10), dbSNP rs2076974201, ClinGen allele CA391351827.
Genomic context (GRCh38, chr15:25,354,627, plus strand): 5'-GAATAAGTACTTTAAGGGAGATTCATTGGTCACCATATGAAAACCTCTCCGAAAAGCCTT[G>C]AACTGTTTTTCTACTGATTTATTGAGAATGTAGTCAGAATAAAGATTGACAAATTCCTGT-3'
Protein context (NP_570854.1, residues 717-737): YILNKSVEKQ[Phe727Leu]KAFRRGFHMV

ClinVar aggregate classification (germline): Uncertain significance (1 of 4 stars; one submission).

Conditions:
Angelman syndrome (AS). Also called: HAPPY PUPPET SYNDROME. Identifiers: Orphanet 72, MedGen C0162635, MONDO:0007113, OMIM 105830. Disease mechanism: loss of function. Inheritance: AS is caused by disruption of maternally imprinted UBE3A located within the 15q11.2-q13 Angelman syndrome/Prader-Willi syndrome (AS/PWS) region., imprinting disorder.

Allele frequency attached by ClinVar (database versions not stated): gnomAD exomes below 0.00001.
gnomAD v4.1: 1 of 1,613,540 alleles (0.000062%); highest among the groups gnomAD compares: Non-Finnish European, 0.000085%; no homozygotes.

Submission:

Labcorp Genetics (formerly Invitae), Labcorp
Classification: Uncertain significance for Angelman syndrome. Last evaluated: 2022-07-14. Review status: criteria provided, single submitter. Criteria: Invitae Variant Classification Sherloc (09022015). Collection method: clinical testing. Allele origin: germline.
Comment: This sequence change replaces phenylalanine, which is neutral and non-polar, with leucine, which is neutral and non-polar, at codon 707 of the UBE3A protein (p.Phe707Leu). This variant is not present in population databases (gnomAD no frequency). This variant has not been reported in the literature in individuals affected with UBE3A-related conditions. ClinVar contains an entry for this variant (Variation ID: 1038124). Algorithms developed to predict the effect of missense changes on protein structure and function are either unavailable or do not agree on the potential impact of this missense change (SIFT: "Not Available"; PolyPhen-2: "Probably Damaging"; Align-GVGD: "Not Available"). In summary, the available evidence is currently insufficient to determine the role of this variant in disease. Therefore, it has been classified as a Variant of Uncertain Significance.